The following is an entry in ClinVar:

ClinVar aggregate classification (germline): Uncertain significance (1 of 4 stars; one submission).

Submission:

Labcorp Genetics (formerly Invitae), Labcorp
Classification: Uncertain significance. Last evaluated: 2019-09-17. Review status: criteria provided, single submitter. Criteria: Invitae Variant Classification Sherloc (09022015). Collection method: clinical testing. Allele origin: germline.
Comment: This variant results in a copy number gain of the genomic region encompassing exon 11 of the BEST1 gene. The 5' boundary is likely confined to intron 11. The 3' end of this event is unknown as it extends beyond the assayed region for this gene and therefore may encompass additional genes. As the precise location of this event is unknown, it may be in tandem or it may be located elsewhere in the genome. This variant has not been reported in the literature in individuals with BEST1-related conditions. In summary, the available evidence is currently insufficient to determine the role of this variant in disease. Therefore, it has been classified as a Variant of Uncertain Significance.

NC_000011.10:g.(?_61964104)_(61967617_?)dup

Genes: BEST1 (bestrophin 1; plus strand), FTH1 (ferritin heavy chain 1; minus strand). Cytogenetic location: 11q12.3.
Variant type: Duplication.
Identifiers: ClinVar variation 831570 (VCV000831570.1).